The following is an entry in ClinVar:

NM_198578.4(LRRK2):c.1336T>G (p.Leu446Val)

Gene: LRRK2 (leucine rich repeat kinase 2; plus strand). Cytogenetic location: 12q12.
Variant type: single nucleotide variant.
Coding change: c.1336T>G on transcript NM_198578.4 (MANE Select); coding-DNA position 1336, T replaced by G.
Protein change: p.Leu446Val; replaces leucine 446 with valine.
Molecular consequence: missense variant.
Genome position (GRCh38, 1-based): chr12:40,257,295, T>G. VCF-style: chr12-40257295-T-G. GRCh37 (hg19) VCF-style: chr12-40651097-T-G.
Other names: short protein forms L446V.
Identifiers: ClinVar variation 1770255 (VCV001770255.2), dbSNP rs2499537756, ClinGen allele CA384410508.

ClinVar aggregate classification (germline): Uncertain significance (1 of 4 stars; one submission).

Conditions:
Inborn genetic diseases. Identifiers: MedGen C0950123, MeSH D030342.

Allele frequency attached by ClinVar (database versions not stated): gnomAD exomes below 0.00001.
gnomAD v4.1: 1 of 1,601,568 alleles (0.000062%); highest among the groups gnomAD compares: Non-Finnish European, 0.000086%; no homozygotes.

Submission:

Ambry Genetics
Classification: Uncertain significance for Inborn genetic diseases. Last evaluated: 2022-08-16. Review status: criteria provided, single submitter. Criteria: Ambry Variant Classification Scheme 2023. Collection method: clinical testing. Allele origin: germline.
Comment: The p.L446V variant (also known as c.1336T>G), located in coding exon 12 of the LRRK2 gene, results from a T to G substitution at nucleotide position 1336. The leucine at codon 446 is replaced by valine, an amino acid with highly similar properties. This amino acid position is conserved. In addition, this alteration is predicted to be tolerated by in silico analysis. Since supporting evidence is limited at this time, the clinical significance of this alteration remains unclear.